The following is an entry in ClinVar:

NM_001374353.1(GLI2):c.143A>T (p.Gln48Leu)

Gene: GLI2 (GLI family zinc finger 2; plus strand). Cytogenetic location: 2q14.2.
Variant type: single nucleotide variant.
Coding change: c.143A>T on transcript NM_001374353.1 (MANE Select); coding-DNA position 143, A replaced by T.
Protein change: p.Gln48Leu; replaces glutamine 48 with leucine.
Molecular consequence: missense variant. On other transcripts: 5 prime UTR variant (1).
Genome position (GRCh38, 1-based): chr2:120,797,463, A>T. VCF-style: chr2-120797463-A-T. GRCh37 (hg19) VCF-style: chr2-121555039-A-T.
Other names: c.143A>T, p.Gln48Leu (NM_001371271.1, NM_005270.5); c.-127A>T (NM_001374354.1); short protein forms Q48L.
Identifiers: ClinVar variation 5017708 (VCV005017708.1).
Genomic context (GRCh38, chr2:120,797,463, plus strand): 5'-CGGGTAAAAAGGCCTCTCCTTTGGTGGTGGCTGCAGCGGCAGCAGCAGCGGTAGCTGCCC[A>T]AGGAGGTACTTTCTGTTTCGCACACTTGGAGGGCAGCAGGGGTGTTTTTCATTAGCCCGT-3'
Protein context (NP_001361282.1, residues 38-58): AAAAAAAVAA[Gln48Leu]GVPQHLLPPF

ClinVar aggregate classification (germline): Uncertain significance (1 of 4 stars; one submission).

Submission:

GeneDx
Classification: Uncertain significance. Last evaluated: 2026-03-27. Review status: criteria provided, single submitter. Criteria: GeneDx Variant Classification Process June 2021. Collection method: clinical testing. Allele origin: germline.
Comment: Not observed at significant frequency in large population cohorts (gnomAD); In silico analysis supports that this missense variant has a deleterious effect on protein structure/function; Has not been previously published as pathogenic or benign to our knowledge